The following is an entry in ClinVar:

NM_001365951.3(KIF1B):c.1685A>G (p.Asp562Gly)

Gene: KIF1B (kinesin family member 1B; plus strand). Cytogenetic location: 1p36.22.
Variant type: single nucleotide variant.
Coding change: c.1685A>G on transcript NM_001365951.3 (MANE Select); coding-DNA position 1685, A replaced by G.
Protein change: p.Asp562Gly; replaces aspartic acid 562 with glycine.
Molecular consequence: missense variant.
Genome position (GRCh38, 1-based): chr1:10,295,674, A>G. VCF-style: chr1-10295674-A-G. GRCh37 (hg19) VCF-style: chr1-10355732-A-G.
Other names: c.1685A>G, p.Asp562Gly (NM_001365952.1); c.1547A>G, p.Asp516Gly (NM_001365953.1, NM_015074.3, NM_183416.4); short protein forms D562G, D516G.
Identifiers: ClinVar variation 1774955 (VCV001774955.2), dbSNP rs139474816, ClinGen allele CA17812828.

ClinVar aggregate classification (germline): Uncertain significance (1 of 4 stars; one submission).

Allele frequency attached by ClinVar (database versions not stated): gnomAD exomes below 0.00001; gnomAD 0.00001; TOPMed 0.00001; ESP Exome Variant Server 0.00008.
gnomAD v4.1: 2 of 1,613,654 alleles (0.00012%); highest among the groups gnomAD compares: African/African-American, 0.0013%; no homozygotes.

Submission:

Ambry Genetics
Classification: Uncertain significance. Last evaluated: 2024-03-21. Review status: criteria provided, single submitter. Criteria: Ambry Variant Classification Scheme 2023. Collection method: clinical testing. Allele origin: germline.
Comment: The p.D516G variant (also known as c.1547A>G), located in coding exon 16 of the KIF1B gene, results from an A to G substitution at nucleotide position 1547. The aspartic acid at codon 516 is replaced by glycine, an amino acid with similar properties. This amino acid position is well conserved in available vertebrate species. In addition, the in silico prediction for this alteration is inconclusive. Since supporting evidence is limited at this time, the clinical significance of this alteration remains unclear.